The following is an entry in ClinVar:

NM_003597.5(KLF11):c.1102C>T (p.Pro368Ser)

Gene: KLF11 (KLF transcription factor 11; plus strand). Cytogenetic location: 2p25.1.
Variant type: single nucleotide variant.
Coding change: c.1102C>T on transcript NM_003597.5 (MANE Select); coding-DNA position 1102, C replaced by T.
Protein change: p.Pro368Ser; replaces proline 368 with serine.
Molecular consequence: missense variant.
Genome position (GRCh38, 1-based): chr2:10,048,439, C>T. VCF-style: chr2-10048439-C-T. GRCh37 (hg19) VCF-style: chr2-10188566-C-T.
Other names: c.1051C>T, p.Pro351Ser (NM_001177716.2, NM_001177718.2); short protein forms P368S, P351S.
Identifiers: ClinVar variation 330637 (VCV000330637.8), dbSNP rs144897109, ClinGen allele CA1525684.
Genomic context (GRCh38, chr2:10,048,439, plus strand): 5'-CTCCCTCCGCCTGCCCCCTGTGCAGCCAATGTCATGGCTGCCGGGAATACCAAGTTGTTG[C>T]CCCTTGCCCCTGCTCCAGTGTTCATCACCTCTAGCCAAAACTGTGTCCCTCAGGTAGACT-3'
Protein context (NP_003588.1, residues 358-378): VMAAGNTKLL[Pro368Ser]LAPAPVFITS

ClinVar aggregate classification (germline): Uncertain significance. Review status: criteria provided, multiple submitters, no conflicts (2 of 4 stars). 3 submissions from 3 submitters: Uncertain significance (3). Last evaluated 2026-06-10.

Conditions:
KLF11-related disorder. Also called: KLF11-related condition.
Maturity-onset diabetes of the young type 7 (MODY7). Identifiers: Orphanet 552, MedGen C1864839, MONDO:0012513, OMIM 610508.

Allele frequency attached by ClinVar (database versions not stated): ExAC 0.00012; ESP Exome Variant Server 0.00015; gnomAD exomes 0.00018 and 0.00023; gnomAD 0.00021 and 0.00023; TOPMed 0.00021.

Submissions (3):

PreventionGenetics, part of Exact Sciences
Classification: Uncertain significance for KLF11-related condition. Last evaluated: 2026-06-10. Review status: criteria provided, single submitter. Criteria: ACMG Guidelines, 2015. Collection method: clinical testing. Allele origin: germline.
Comment: The KLF11 c.1102C>T variant is predicted to result in the amino acid substitution p.Pro368Ser. To our knowledge, this variant has not been reported in the literature. This variant is reported in 0.036% of alleles in individuals of European (Non-Finnish) descent in gnomAD. At this time, the clinical significance of this variant is uncertain due to the absence of conclusive functional and genetic evidence.

Labcorp Genetics (formerly Invitae), Labcorp
Classification: Uncertain significance. Last evaluated: 2026-01-14. Review status: criteria provided, single submitter. Criteria: Invitae Variant Classification Sherloc (09022015). Collection method: clinical testing. Allele origin: germline.
Comment: This sequence change replaces proline, which is neutral and non-polar, with serine, which is neutral and polar, at codon 368 of the KLF11 protein (p.Pro368Ser). This variant is present in population databases (rs144897109, gnomAD 0.03%), and has an allele count higher than expected for a pathogenic variant. This variant has not been reported in the literature in individuals affected with KLF11-related conditions. ClinVar contains an entry for this variant (Variation ID: 330637). An algorithm developed to predict the effect of missense changes on protein structure and function (PolyPhen-2) suggests that this variant is likely to be disruptive. In summary, the available evidence is currently insufficient to determine the role of this variant in disease. Therefore, it has been classified as a Variant of Uncertain Significance.

Illumina Laboratory Services, Illumina
Classification: Uncertain significance for Maturity-onset diabetes of the young type 7. Last evaluated: 2018-01-12. Review status: criteria provided, single submitter. Criteria: ICSL Variant Classification Criteria 13 December 2019. Collection method: clinical testing. Allele origin: germline.